The following is an entry in ClinVar:

ClinVar aggregate classification (germline): Uncertain significance (1 of 4 stars; one submission).

Conditions:
Arrhythmogenic right ventricular dysplasia 13. Also called: ARRHYTHMOGENIC RIGHT VENTRICULAR CARDIOMYOPATHY 13; Arrhythmogenic right ventricular dysplasia, familial, 13. Identifiers: MedGen C3810138, MONDO:0000908, OMIM 615616.

gnomAD v4.1: 2 of 1,613,488 alleles (0.00012%); highest among the groups gnomAD compares: Non-Finnish European, 0.00017%; no homozygotes.

Submission:

Labcorp Genetics (formerly Invitae), Labcorp
Classification: Uncertain significance for Arrhythmogenic right ventricular dysplasia 13. Last evaluated: 2025-06-10. Review status: criteria provided, single submitter. Criteria: Invitae Variant Classification Sherloc (09022015). Collection method: clinical testing. Allele origin: germline.
Comment: This sequence change replaces serine, which is neutral and polar, with glycine, which is neutral and non-polar, at codon 576 of the CTNNA3 protein (p.Ser576Gly). This variant is not present in population databases (gnomAD no frequency). This variant has not been reported in the literature in individuals affected with CTNNA3-related conditions. Invitae Evidence Modeling of protein sequence and biophysical properties (such as structural, functional, and spatial information, amino acid conservation, physicochemical variation, residue mobility, and thermodynamic stability) indicates that this missense variant is not expected to disrupt CTNNA3 protein function with a negative predictive value of 80%. Algorithms developed to predict the effect of sequence changes on RNA splicing suggest that this variant may create or strengthen a splice site. In summary, the available evidence is currently insufficient to determine the role of this variant in disease. Therefore, it has been classified as a Variant of Uncertain Significance.

NM_013266.4(CTNNA3):c.1726A>G (p.Ser576Gly)

Gene: CTNNA3 (catenin alpha 3; minus strand). Cytogenetic location: 10q21.3.
Variant type: single nucleotide variant.
Coding change: c.1726A>G on transcript NM_013266.4 (MANE Select); coding-DNA position 1726, A replaced by G.
Protein change: p.Ser576Gly; replaces serine 576 with glycine.
Molecular consequence: missense variant.
Genome position (GRCh38, 1-based): chr10:66,379,158, T>C on the plus strand (A>G on the coding strand, the complement: CTNNA3 is on the minus strand). VCF-style: chr10-66379158-T-C. GRCh37 (hg19) VCF-style: chr10-68138916-T-C.
Other names: c.1726A>G, p.Ser576Gly (NM_001127384.3); short protein forms S576G.
Identifiers: ClinVar variation 4743807 (VCV004743807.1).